The following is an entry in ClinVar:

ClinVar aggregate classification (germline): Pathogenic. Review status: criteria provided, multiple submitters, no conflicts (2 of 4 stars). 2 submissions from 2 submitters: Pathogenic (2). Last evaluated 2023-01-09.

Conditions:
ADAMTSL4-related disorder. Also called: ADAMTSL4-Related Disorders; ADAMTSL4-related condition.

Submissions (2):

PreventionGenetics, part of Exact Sciences
Classification: Pathogenic for ADAMTSL4-related condition. Last evaluated: 2023-01-09. Review status: criteria provided, single submitter. Criteria: ACMG Guidelines, 2015. Collection method: clinical testing. Allele origin: germline.
Comment: The ADAMTSL4 c.963delG variant is predicted to result in a frameshift and premature protein termination (p.Thr322Leufs*21). To our knowledge, this variant has not been reported in the literature. This variant is reported in 0.0072% of alleles in individuals of African descent in gnomAD. Frameshift variants in ADAMTSL4 are expected to be pathogenic. This variant is interpreted as pathogenic.

Labcorp Genetics (formerly Invitae), Labcorp
Classification: Pathogenic. Last evaluated: 2022-12-08. Review status: criteria provided, single submitter. Criteria: Invitae Variant Classification Sherloc (09022015). Collection method: clinical testing. Allele origin: germline.
Comment: For these reasons, this variant has been classified as Pathogenic. This variant has not been reported in the literature in individuals affected with ADAMTSL4-related conditions. The frequency data for this variant in the population databases is considered unreliable, as metrics indicate poor data quality at this position in the gnomAD database. This sequence change creates a premature translational stop signal (p.Thr322Leufs*21) in the ADAMTSL4 gene. It is expected to result in an absent or disrupted protein product. Loss-of-function variants in ADAMTSL4 are known to be pathogenic (PMID: 20564469, 28642162).

Literature cited by the submitters: PubMed 20564469 (cited by Labcorp Genetics (formerly Invitae), Labcorp); PubMed 28642162 (cited by Labcorp Genetics (formerly Invitae), Labcorp).

NM_019032.6(ADAMTSL4):c.963del (p.Thr322fs)

Genes: ADAMTSL4 (ADAMTS like 4; plus strand), ADAMTSL4-AS2 (ADAMTSL4 antisense RNA 2; minus strand). Cytogenetic location: 1q21.2.
Variant type: Deletion.
Coding change: c.963del on transcript NM_019032.6 (MANE Select); coding-DNA position 963, one base deleted (G; older notation c.963delG).
Protein change: p.Thr322fs; shifts the reading frame from threonine 322.
Molecular consequence: frameshift variant.
Genome position (GRCh38, 1-based): chr1:150,553,954, G deleted; the last of 7 consecutive G bases (chr1:150,553,948-150,553,954); deleting any one gives the same sequence. VCF-style (leftmost placement, unchanged base first): chr1-150553947-CG-C. GRCh37 (hg19) VCF-style: chr1-150526423-CG-C.
Other names: c.963del, p.Thr322fs (NM_001288607.2, NM_001288608.2, NM_001378596.1 and 1 more transcripts); short protein forms T322fs.
Identifiers: ClinVar variation 2635601 (VCV002635601.4), dbSNP rs748115277, ClinGen allele CA1078078.